The following is an entry in ClinVar:

NM_024422.6(DSC2):c.2664G>T (p.Glu888Asp)

Gene: DSC2 (desmocollin 2; minus strand). Cytogenetic location: 18q12.1.
Variant type: single nucleotide variant.
Coding change: c.2664G>T on transcript NM_024422.6 (MANE Select); coding-DNA position 2664, G replaced by T.
Protein change: p.Glu888Asp; replaces glutamic acid 888 with aspartic acid.
Molecular consequence: missense variant. On other transcripts: 3 prime UTR variant (1).
Genome position (GRCh38, 1-based): chr18:31,068,057, C>A on the plus strand (G>T on the coding strand, the complement: DSC2 is on the minus strand). VCF-style: chr18-31068057-C-A. GRCh37 (hg19) VCF-style: chr18-28648023-C-A.
Other names: c.*166G>T (NM_004949.5); short protein forms E888D.
Identifiers: ClinVar variation 218797 (VCV000218797.2), dbSNP rs748675400, ClinGen allele CA032740.

ClinVar aggregate classification (germline): Uncertain significance. Review status: criteria provided, multiple submitters, no conflicts (2 of 4 stars). 2 submissions from 2 submitters: Uncertain significance (2). Last evaluated 2023-08-15.

Conditions:
Familial isolated arrhythmogenic right ventricular dysplasia. Identifiers: Orphanet 217656, MedGen C4274968, MONDO:0016342.
Arrhythmogenic right ventricular cardiomyopathy (ARVD). Also called: Cardiomyopathy, ARVC; Arrhythmogenic right ventricular dysplasia; Arrhythmogenic cardiomyopathy; Arrhythmogenic Right Ventricular Cardiomyopathy (ARVC). Identifiers: Orphanet 247, MedGen C0349788, MeSH D019571, MONDO:0016587. Disease mechanism: loss of function. Inheritance: Various modes of inheritance.

Allele frequency attached by ClinVar (database versions not stated): ExAC 0.00002; gnomAD exomes 0.00002.
gnomAD v4.1: 12 of 1,613,904 alleles (0.00074%); highest among the groups gnomAD compares: South Asian, 0.012%; no homozygotes.

Submissions (2):

All of Us Research Program, National Institutes of Health
Classification: Uncertain significance for Familial isolated arrhythmogenic right ventricular dysplasia. Last evaluated: 2023-08-15. Review status: criteria provided, single submitter. Criteria: ACMG Guidelines, 2015. Collection method: clinical testing. Allele origin: germline. Inheritance: Autosomal dominant inheritance. Observed: 1 variant allele, 1 heterozygote.
Comment: This missense variant replaces glutamic acid with aspartic acid at codon 888 of the DSC2 protein. Computational prediction suggests that this variant may not impact protein structure and function (internally defined REVEL score threshold <= 0.5, PMID: 27666373). To our knowledge, functional studies have not been reported for this variant. This variant has not been reported in individuals affected with DSC2-related disorders in the literature. This variant has been identified in 5/251276 chromosomes in the general population by the Genome Aggregation Database (gnomAD). The available evidence is insufficient to determine the role of this variant in disease conclusively. Therefore, this variant is classified as a Variant of Uncertain Significance.

This study involves interpretation of variants in research participants for the purpose of population health screening. Participant phenotype was not available at the time of variant classification. Additional details can be found in publication PMID: 35346344, PMCID: PMC8962531

Genomic Diagnostic Laboratory, Division of Genomic Diagnostics, Children's Hospital of Philadelphia
Classification: Uncertain significance for Arrhythmogenic right ventricular cardiomyopathy. Last evaluated: 2015-07-10. Review status: criteria provided, single submitter. Criteria: DGD Variant Analysis Guidelines. Collection method: clinical testing. Allele origin: unknown.